The following is an entry in ClinVar:

ClinVar aggregate classification (germline): Conflicting classifications of pathogenicity. Review status: criteria provided, conflicting classifications (1 of 4 stars). 3 submissions from 3 submitters: Uncertain significance (2); Likely benign (1). Last evaluated 2023-02-18.

Conditions:
Cardiomyopathy (CMYO). Also called: Cardiomyopathies. Identifiers: Orphanet 167848, MedGen C0878544, MONDO:0004994, HP:0001638. Inheritance: Various modes of inheritance.
Cardiovascular phenotype. Identifiers: MedGen CN230736.
Myofibrillar myopathy 4. Also called: Zaspopathy (type). Identifiers: Orphanet 98912, MedGen C4721886, MONDO:0012277, OMIM 609452.

Allele frequency attached by ClinVar (database versions not stated): gnomAD below 0.00001 and 0.00001; ExAC 0.00001; gnomAD exomes 0.00001; TOPMed 0.00001.

Submissions (3):

Labcorp Genetics (formerly Invitae), Labcorp
Classification: Uncertain significance for Myofibrillar myopathy 4. Last evaluated: 2023-02-18. Review status: criteria provided, single submitter. Criteria: Invitae Variant Classification Sherloc (09022015). Collection method: clinical testing. Allele origin: germline.
Comment: This variant has not been reported in the literature in individuals affected with LDB3-related conditions. Experimental studies and prediction algorithms are not available or were not evaluated, and the effect of this variant on mRNA splicing is currently unknown. In summary, the available evidence is currently insufficient to determine the role of this variant in disease. Therefore, it has been classified as a Variant of Uncertain Significance. The LDB3 gene has multiple clinically relevant transcripts. This variant occurs in alternate transcript NM_007078.3, and corresponds to NM_001080116.1:c.*7175G>A in the primary transcript. This sequence change affects codon 305 of the LDB3 mRNA. It is a 'silent' change, meaning that it does not change the encoded amino acid sequence of the LDB3 protein. This variant is present in population databases (rs753526743, gnomAD 0.01%).

Ambry Genetics
Classification: Likely benign for Cardiovascular phenotype. Last evaluated: 2020-02-10. Review status: criteria provided, single submitter. Criteria: Ambry Variant Classification Scheme 2023. Collection method: clinical testing. Allele origin: germline.

CHEO Genetics Diagnostic Laboratory, Children's Hospital of Eastern Ontario
Classification: Uncertain significance for Cardiomyopathy. Last evaluated: 2016-02-25. Review status: criteria provided, single submitter. Criteria: ACMG Guidelines, 2015. Collection method: clinical testing. Allele origin: germline. Study: Canadian Open Genetics Repository.

NM_007078.3(LDB3):c.915G>A (p.Ala305=)

Gene: LDB3 (LIM domain binding 3; plus strand). Cytogenetic location: 10q23.2.
Variant type: single nucleotide variant.
Coding change: c.915G>A on transcript NM_007078.3 (MANE Select); coding-DNA position 915, G replaced by A.
Protein change: p.Ala305=; no amino-acid change (alanine 305 retained).
Molecular consequence: synonymous variant. On other transcripts: intron variant (4).
Genome position (GRCh38, 1-based): chr10:86,706,549, G>A. VCF-style: chr10-86706549-G-A. GRCh37 (hg19) VCF-style: chr10-88466306-G-A.
Other names: c.915G>A (LRG_385t1); c.774G>A, p.Ala258= (NM_001368066.1); c.897-3356G>A (NM_001368064.1, NM_001368065.1); c.1101-3356G>A (NM_001171610.2); c.756-3356G>A (NM_001080114.2).
Identifiers: ClinVar variation 626500 (VCV000626500.7), dbSNP rs753526743, ClinGen allele CA5585014.